The following is an entry in ClinVar:

ClinVar aggregate classification (germline): Uncertain significance. Review status: criteria provided, multiple submitters, no conflicts (2 of 4 stars). 2 submissions from 2 submitters: Uncertain significance (2). Last evaluated 2024-10-03.

Allele frequency attached by ClinVar (database versions not stated): gnomAD exomes 0.00001 and 0.00004; ExAC 0.00002; gnomAD 0.00002 and 0.00003; TOPMed 0.00006.
gnomAD v4.1: 24 of 1,614,022 alleles (0.0015%); highest among the groups gnomAD compares: Admixed American, 0.018%; no homozygotes.

Submissions (2):

Labcorp Genetics (formerly Invitae), Labcorp
Classification: Uncertain significance. Last evaluated: 2024-10-03. Review status: criteria provided, single submitter. Criteria: Invitae Variant Classification Sherloc (09022015). Collection method: clinical testing. Allele origin: germline.
Comment: This sequence change replaces threonine, which is neutral and polar, with methionine, which is neutral and non-polar, at codon 1021 of the CNGB1 protein (p.Thr1021Met). This variant is present in population databases (rs774186674, gnomAD 0.02%). This variant has not been reported in the literature in individuals affected with CNGB1-related conditions. ClinVar contains an entry for this variant (Variation ID: 1478273). Invitae Evidence Modeling of protein sequence and biophysical properties (such as structural, functional, and spatial information, amino acid conservation, physicochemical variation, residue mobility, and thermodynamic stability) indicates that this missense variant is expected to disrupt CNGB1 protein function with a positive predictive value of 80%. In summary, the available evidence is currently insufficient to determine the role of this variant in disease. Therefore, it has been classified as a Variant of Uncertain Significance.

Blueprint Genetics
Classification: Uncertain significance. Last evaluated: 2021-09-29. Review status: criteria provided, single submitter. Criteria: ACMG Guidelines, 2015. Collection method: clinical testing. Allele origin: germline.

NM_001297.5(CNGB1):c.3062C>T (p.Thr1021Met)

Gene: CNGB1 (cyclic nucleotide gated channel subunit beta 1; minus strand). Cytogenetic location: 16q21.
Variant type: single nucleotide variant.
Coding change: c.3062C>T on transcript NM_001297.5 (MANE Select); coding-DNA position 3062, C replaced by T.
Protein change: p.Thr1021Met; replaces threonine 1021 with methionine.
Molecular consequence: missense variant.
Genome position (GRCh38, 1-based): chr16:57,897,829, G>A on the plus strand (C>T on the coding strand, the complement: CNGB1 is on the minus strand). VCF-style: chr16-57897829-G-A. GRCh37 (hg19) VCF-style: chr16-57931733-G-A.
Other names: c.3044C>T, p.Thr1015Met (NM_001286130.2); short protein forms T1015M, T1021M.
Identifiers: ClinVar variation 1478273 (VCV001478273.6), dbSNP rs774186674, ClinGen allele CA8082706.